The following is an entry in ClinVar:

ClinVar aggregate classification (germline): Pathogenic (1 of 4 stars; one submission).

Conditions:
Hereditary cancer-predisposing syndrome. Also called: Hereditary Cancer Syndrome; Neoplastic Syndromes, Hereditary; Hereditary neoplastic syndrome; Tumor predisposition. Identifiers: Orphanet 140162, MedGen C0027672, MeSH D009386, MONDO:0015356.

Submission:

Ambry Genetics
Classification: Pathogenic for Hereditary cancer-predisposing syndrome. Last evaluated: 2024-05-09. Review status: criteria provided, single submitter. Criteria: Ambry Variant Classification Scheme 2023. Collection method: clinical testing. Allele origin: germline.
Comment: The c.1058_1059dupAA variant, located in coding exon 8 of the BMPR1A gene, results from a duplication of AA at nucleotide position 1058, causing a translational frameshift with a predicted alternate stop codon (p.G354Kfs*11). This alteration is expected to result in loss of function by premature protein truncation or nonsense-mediated mRNA decay. As such, this alteration is interpreted as a disease-causing mutation.

NM_004329.3(BMPR1A):c.1058_1059dup (p.Gly354fs)

Gene: BMPR1A (bone morphogenetic protein receptor type 1A; plus strand). Cytogenetic location: 10q23.2.
Variant type: Duplication.
Coding change: c.1058_1059dup on transcript NM_004329.3 (MANE Select); coding-DNA positions 1058 to 1059, 2 bases duplicated (AA; older notation c.1058_1059dupAA).
Protein change: p.Gly354fs; shifts the reading frame from glycine 354.
Molecular consequence: frameshift variant.
Genome position (GRCh38, 1-based): chr10:86,919,361-86,919,362, AA duplicated. VCF-style (leftmost placement, unchanged base first): chr10-86919360-C-CAA. GRCh37 (hg19) VCF-style: chr10-88679117-C-CAA.
Other names: c.1058_1059dupAA (NM_004329.2); short protein forms G354fs.
Identifiers: ClinVar variation 429106 (VCV000429106.6), dbSNP rs1131691184, ClinGen allele CA645369465.